The following is an entry in ClinVar:

NM_001690.4(ATP6V1A):c.31G>A (p.Asp11Asn)

Gene: ATP6V1A (ATPase H+ transporting V1 subunit A; plus strand). Cytogenetic location: 3q13.31.
Variant type: single nucleotide variant.
Coding change: c.31G>A on transcript NM_001690.4 (MANE Select); coding-DNA position 31, G replaced by A.
Protein change: p.Asp11Asn; replaces aspartic acid 11 with asparagine.
Molecular consequence: missense variant.
Genome position (GRCh38, 1-based): chr3:113,778,784, G>A. VCF-style: chr3-113778784-G-A. GRCh37 (hg19) VCF-style: chr3-113497631-G-A.
Other names: short protein forms D11N.
Identifiers: ClinVar variation 2139656 (VCV002139656.4), dbSNP rs746407800, ClinGen allele CA2547728.

ClinVar aggregate classification (germline): Uncertain significance (1 of 4 stars; one submission).

Allele frequency attached by ClinVar (database versions not stated): gnomAD 0.00001; TOPMed 0.00002.
gnomAD v4.1: 11 of 1,593,718 alleles (0.00069%); highest among the groups gnomAD compares: East Asian, 0.016%; no homozygotes.

Submission:

Labcorp Genetics (formerly Invitae), Labcorp
Classification: Uncertain significance. Last evaluated: 2024-06-22. Review status: criteria provided, single submitter. Criteria: Invitae Variant Classification Sherloc (09022015). Collection method: clinical testing. Allele origin: germline.
Comment: This sequence change replaces aspartic acid, which is acidic and polar, with asparagine, which is neutral and polar, at codon 11 of the ATP6V1A protein (p.Asp11Asn). This variant is present in population databases (rs746407800, gnomAD 0.03%). This missense change has been observed in individual(s) with autism spectrum disorder (PMID: 25363768). ClinVar contains an entry for this variant (Variation ID: 2139656). Algorithms developed to predict the effect of missense changes on protein structure and function output the following: SIFT: "Not Available"; PolyPhen-2: "Benign"; Align-GVGD: "Not Available". The asparagine amino acid residue is found in multiple mammalian species, which suggests that this missense change does not adversely affect protein function. In summary, the available evidence is currently insufficient to determine the role of this variant in disease. Therefore, it has been classified as a Variant of Uncertain Significance.

Literature cited by the submitters: PubMed 25363768.